The following is an entry in ClinVar:

NM_004260.4(RECQL4):c.511C>G (p.Arg171Gly)

Gene: RECQL4 (RecQ like helicase 4; minus strand). Cytogenetic location: 8q24.3.
Variant type: single nucleotide variant.
Coding change: c.511C>G on transcript NM_004260.4 (MANE Select); coding-DNA position 511, C replaced by G.
Protein change: p.Arg171Gly; replaces arginine 171 with glycine.
Molecular consequence: missense variant.
Genome position (GRCh38, 1-based): chr8:144,516,608, G>C on the plus strand (C>G on the coding strand, the complement: RECQL4 is on the minus strand). VCF-style: chr8-144516608-G-C. GRCh37 (hg19) VCF-style: chr8-145741992-G-C.
Other names: short protein forms R171G.
Identifiers: ClinVar variation 1354827 (VCV001354827.6), dbSNP rs775651175, ClinGen allele CA372691207.

ClinVar aggregate classification (germline): Uncertain significance (1 of 4 stars; one submission).

Conditions:
Baller-Gerold syndrome (BGS). Also called: CRANIOSYNOSTOSIS WITH RADIAL DEFECTS. Identifiers: Orphanet 1225, MedGen C0265308, MONDO:0009039, OMIM 218600.

gnomAD v4.1: 1 of 1,610,704 alleles (0.000062%); highest among the groups gnomAD compares: Admixed American, 0.0017%; no homozygotes.

Submission:

Labcorp Genetics (formerly Invitae), Labcorp
Classification: Uncertain significance for Baller-Gerold syndrome. Last evaluated: 2023-06-05. Review status: criteria provided, single submitter. Criteria: Invitae Variant Classification Sherloc (09022015). Collection method: clinical testing. Allele origin: germline.
Comment: This sequence change replaces arginine, which is basic and polar, with glycine, which is neutral and non-polar, at codon 171 of the RECQL4 protein (p.Arg171Gly). In summary, the available evidence is currently insufficient to determine the role of this variant in disease. Therefore, it has been classified as a Variant of Uncertain Significance. Advanced modeling of protein sequence and biophysical properties (such as structural, functional, and spatial information, amino acid conservation, physicochemical variation, residue mobility, and thermodynamic stability) performed at Invitae indicates that this missense variant is not expected to disrupt RECQL4 protein function. ClinVar contains an entry for this variant (Variation ID: 1354827). This variant has not been reported in the literature in individuals affected with RECQL4-related conditions. This variant is not present in population databases (gnomAD no frequency).